The following is an entry in ClinVar:

ClinVar aggregate classification (germline): Uncertain significance (1 of 4 stars; one submission).

Conditions:
Cardiomyopathy (CMYO). Also called: Cardiomyopathies. Identifiers: Orphanet 167848, MedGen C0878544, MONDO:0004994, HP:0001638. Inheritance: Various modes of inheritance.

gnomAD v4.1: 1 of 1,614,042 alleles (0.000062%); highest among the groups gnomAD compares: Non-Finnish European, 0.000085%; no homozygotes.

Submission:

Color Diagnostics, LLC DBA Color Health
Classification: Uncertain significance for Cardiomyopathy. Last evaluated: 2019-07-15. Review status: criteria provided, single submitter. Criteria: ACMG Guidelines, 2015. Collection method: clinical testing. Allele origin: germline.
Comment: This variant changes 1 nucleotide in the last exon of the DSC2 gene, creating a premature translation stop signal. This variant is expected to escape nonsense-mediated decay and be expressed as a truncated protein product. To our knowledge, functional assays have not been performed for this variant nor has this variant been reported in individuals affected with cardiovascular disorders in the literature. This variant has not been identified in the general population by the Genome Aggregation Database (gnomAD). Available evidence is insufficient to determine the role of this variant in disease conclusively. Therefore, this variant is classified as a Variant of Uncertain Significance.

NM_024422.6(DSC2):c.2577T>A (p.Tyr859Ter)

Gene: DSC2 (desmocollin 2; minus strand). Cytogenetic location: 18q12.1.
Variant type: single nucleotide variant.
Coding change: c.2577T>A on transcript NM_024422.6 (MANE Select); coding-DNA position 2577, T replaced by A.
Protein change: p.Tyr859Ter; replaces tyrosine 859 with a stop codon.
Molecular consequence: nonsense. On other transcripts: 3 prime UTR variant (1).
Genome position (GRCh38, 1-based): chr18:31,068,144, A>T on the plus strand (T>A on the coding strand, the complement: DSC2 is on the minus strand). VCF-style: chr18-31068144-A-T. GRCh37 (hg19) VCF-style: chr18-28648110-A-T.
Other names: c.*79T>A (NM_004949.5); short protein forms Y859*.
Identifiers: ClinVar variation 918556 (VCV000918556.3), dbSNP rs767866098, ClinGen allele CA402110576.